The following is an entry in ClinVar:

ClinVar aggregate classification (germline): Uncertain significance. Review status: criteria provided, multiple submitters, no conflicts (2 of 4 stars). 4 submissions from 4 submitters: Uncertain significance (3). 1 of the submissions does not count toward it. Last evaluated 2023-08-04.

Conditions:
Inborn genetic diseases. Identifiers: MedGen C0950123, MeSH D030342.
Hereditary insensitivity to pain with anhidrosis (CIPA). Also called: INSENSITIVITY TO PAIN, CONGENITAL, WITH ANHIDROSIS; NTRK1 Congenital Insensitivity to Pain with Anhidrosis; FAMILIAL DYSAUTONOMIA, TYPE II; NEUROPATHY, CONGENITAL SENSORY, WITH ANHIDROSIS; HSAN Type IV; hereditary sensory and autonomic neuropathy type 4. Identifiers: Orphanet 642, MedGen C0020074, MONDO:0009746, OMIM 256800.

Allele frequency attached by ClinVar (database versions not stated): ExAC 0.00001; gnomAD 0.00001 and 0.00002; gnomAD exomes 0.00001; TOPMed 0.00001.
gnomAD v4.1: 16 of 1,613,972 alleles (0.00099%); highest among the groups gnomAD compares: South Asian, 0.0044%; no homozygotes.

Submissions (4):

Ambry Genetics
Classification: Uncertain significance for Inborn genetic diseases. Last evaluated: 2023-08-04. Review status: criteria provided, single submitter. Criteria: Ambry Variant Classification Scheme 2023. Collection method: clinical testing. Allele origin: germline.

Labcorp Genetics (formerly Invitae), Labcorp
Classification: Uncertain significance for Hereditary insensitivity to pain with anhidrosis. Last evaluated: 2021-09-01. Review status: criteria provided, single submitter. Criteria: Invitae Variant Classification Sherloc (09022015). Collection method: clinical testing. Allele origin: germline.
Comment: This sequence change replaces valine with methionine at codon 106 of the NTRK1 protein (p.Val106Met). The valine residue is moderately conserved and there is a small physicochemical difference between valine and methionine. This variant is present in population databases (rs763164402, ExAC 0.009%). This variant has not been reported in the literature in individuals affected with NTRK1-related conditions. Algorithms developed to predict the effect of missense changes on protein structure and function are either unavailable or do not agree on the potential impact of this missense change (SIFT: "Deleterious"; PolyPhen-2: "Probably Damaging"; Align-GVGD: "Class C0"). In summary, the available evidence is currently insufficient to determine the role of this variant in disease. Therefore, it has been classified as a Variant of Uncertain Significance.

Blueprint Genetics
Classification: Uncertain significance. Last evaluated: 2021-06-24. Review status: criteria provided, single submitter. Criteria: ACMG Guidelines, 2015. Collection method: clinical testing. Allele origin: germline.

Natera, Inc.
Classification: Uncertain significance for Hereditary insensitivity to pain with anhidrosis. Last evaluated: 2020-12-08. Review status: no assertion criteria provided. Collection method: clinical testing. Allele origin: germline. Not counted in ClinVar's aggregate classification.

NM_002529.4(NTRK1):c.316G>A (p.Val106Met)

Gene: NTRK1 (neurotrophic receptor tyrosine kinase 1; plus strand). Cytogenetic location: 1q23.1.
Variant type: single nucleotide variant.
Coding change: c.316G>A on transcript NM_002529.4 (MANE Select); coding-DNA position 316, G replaced by A.
Protein change: p.Val106Met; replaces valine 106 with methionine.
Molecular consequence: missense variant.
Genome position (GRCh38, 1-based): chr1:156,864,756, G>A. VCF-style: chr1-156864756-G-A. GRCh37 (hg19) VCF-style: chr1-156834548-G-A.
Other names: c.226G>A, p.Val76Met (NM_001007792.1); c.316G>A, p.Val106Met (NM_001012331.2); short protein forms V106M, V76M.
Identifiers: ClinVar variation 655441 (VCV000655441.8), dbSNP rs763164402, ClinGen allele CA1168912.